The following is an entry in ClinVar:

NM_004863.4(SPTLC2):c.721A>G (p.Thr241Ala)

Gene: SPTLC2 (serine palmitoyltransferase long chain base subunit 2; minus strand). Cytogenetic location: 14q24.3.
Variant type: single nucleotide variant.
Coding change: c.721A>G on transcript NM_004863.4 (MANE Select); coding-DNA position 721, A replaced by G.
Protein change: p.Thr241Ala; replaces threonine 241 with alanine.
Molecular consequence: missense variant.
Genome position (GRCh38, 1-based): chr14:77,570,419, T>C on the plus strand (A>G on the coding strand, the complement: SPTLC2 is on the minus strand). VCF-style: chr14-77570419-T-C. GRCh37 (hg19) VCF-style: chr14-78036762-T-C.
Other names: c.721A>G (NM_004863.3); short protein forms T241A.
Identifiers: ClinVar variation 1433681 (VCV001433681.11), dbSNP rs781282316, ClinGen allele CA7289394.

ClinVar aggregate classification (germline): Uncertain significance. Review status: criteria provided, multiple submitters, no conflicts (2 of 4 stars). 4 submissions from 4 submitters: Uncertain significance (4). Last evaluated 2026-01-20.

Conditions:
SPTLC2-related disorder. Also called: SPTLC2-related condition.
Neuropathy, hereditary sensory and autonomic, type 1C. Also called: HSAN IC; HSN IC. Identifiers: Orphanet 36386, MedGen C3150896, MONDO:0013337, OMIM 613640.
Inborn genetic diseases. Identifiers: MedGen C0950123, MeSH D030342.

Allele frequency attached by ClinVar (database versions not stated): ExAC 0.00001; gnomAD 0.00001; gnomAD exomes 0.00001; TOPMed 0.00002.
gnomAD v4.1: 14 of 1,613,776 alleles (0.00087%); highest among the groups gnomAD compares: Middle Eastern, 0.016%; no homozygotes.

Submissions (4):

PreventionGenetics, part of Exact Sciences
Classification: Uncertain significance for SPTLC2-related condition. Last evaluated: 2026-01-20. Review status: criteria provided, single submitter. Criteria: ACMG Guidelines, 2015. Collection method: clinical testing. Allele origin: germline.
Comment: The SPTLC2 c.721A>G variant is predicted to result in the amino acid substitution p.Thr241Ala. To our knowledge, this variant has not been reported in the literature. This variant is reported in 0.0029% of alleles in individuals of Latino descent in gnomAD. At this time, the clinical significance of this variant is uncertain due to the absence of conclusive functional and genetic evidence.

GeneDx
Classification: Uncertain significance. Last evaluated: 2025-03-03. Review status: criteria provided, single submitter. Criteria: GeneDx Variant Classification Process June 2021. Collection method: clinical testing. Allele origin: germline. Affected: yes.
Comment: In silico analysis supports that this missense variant has a deleterious effect on protein structure/function; Has not been previously published as pathogenic or benign to our knowledge

Labcorp Genetics (formerly Invitae), Labcorp
Classification: Uncertain significance for Neuropathy, hereditary sensory and autonomic, type 1C. Last evaluated: 2024-06-25. Review status: criteria provided, single submitter. Criteria: Invitae Variant Classification Sherloc (09022015). Collection method: clinical testing. Allele origin: germline.
Comment: This sequence change replaces threonine, which is neutral and polar, with alanine, which is neutral and non-polar, at codon 241 of the SPTLC2 protein (p.Thr241Ala). This variant is present in population databases (rs781282316, gnomAD 0.003%). This variant has not been reported in the literature in individuals affected with SPTLC2-related conditions. ClinVar contains an entry for this variant (Variation ID: 1433681). Advanced modeling of protein sequence and biophysical properties (such as structural, functional, and spatial information, amino acid conservation, physicochemical variation, residue mobility, and thermodynamic stability) performed at Invitae indicates that this missense variant is not expected to disrupt SPTLC2 protein function with a negative predictive value of 80%. In summary, the available evidence is currently insufficient to determine the role of this variant in disease. Therefore, it has been classified as a Variant of Uncertain Significance.

Ambry Genetics
Classification: Uncertain significance for Inborn genetic diseases. Last evaluated: 2023-09-29. Review status: criteria provided, single submitter. Criteria: Ambry Variant Classification Scheme 2023. Collection method: clinical testing. Allele origin: germline.